The following is an entry in ClinVar:

ClinVar aggregate classification (germline): Uncertain significance (1 of 4 stars; one submission).

Allele frequency attached by ClinVar (database versions not stated): gnomAD 0.00001; gnomAD exomes 0.00001; ExAC 0.00005.
gnomAD v4.1: 11 of 1,510,954 alleles (0.00073%); highest among the groups gnomAD compares: South Asian, 0.015%; no homozygotes.

Submission:

Labcorp Genetics (formerly Invitae), Labcorp
Classification: Uncertain significance. Last evaluated: 2022-03-19. Review status: criteria provided, single submitter. Criteria: Invitae Variant Classification Sherloc (09022015). Collection method: clinical testing. Allele origin: germline.
Comment: In summary, the available evidence is currently insufficient to determine the role of this variant in disease. Therefore, it has been classified as a Variant of Uncertain Significance. Algorithms developed to predict the effect of missense changes on protein structure and function (SIFT, PolyPhen-2, Align-GVGD) all suggest that this variant is likely to be tolerated. This variant has not been reported in the literature in individuals affected with KPNA7-related conditions. This variant is present in population databases (rs200382012, gnomAD 0.02%). This sequence change replaces threonine, which is neutral and polar, with arginine, which is basic and polar, at codon 196 of the KPNA7 protein (p.Thr196Arg).

NM_001145715.3(KPNA7):c.587C>G (p.Thr196Arg)

Gene: KPNA7 (karyopherin subunit alpha 7; minus strand). Cytogenetic location: 7q22.1.
Variant type: single nucleotide variant.
Coding change: c.587C>G on transcript NM_001145715.3 (MANE Select); coding-DNA position 587, C replaced by G.
Protein change: p.Thr196Arg; replaces threonine 196 with arginine.
Molecular consequence: missense variant.
Genome position (GRCh38, 1-based): chr7:99,193,068, G>C on the plus strand (C>G on the coding strand, the complement: KPNA7 is on the minus strand). VCF-style: chr7-99193068-G-C. GRCh37 (hg19) VCF-style: chr7-98790691-G-C.
Other names: short protein forms T196R.
Identifiers: ClinVar variation 2417571 (VCV002417571.5), dbSNP rs200382012, ClinGen allele CA4363233.